The following is an entry in ClinVar:

ClinVar aggregate classification (germline): Pathogenic (1 of 4 stars; one submission).

Conditions:
Camptomelic dysplasia (CMPD). Also called: CMPD1/SRA1; Campomelic Dysplasia. Identifiers: Orphanet 140, MedGen C1861922, MONDO:0007251, OMIM 114290.

Submission:

Labcorp Genetics (formerly Invitae), Labcorp
Classification: Pathogenic for Camptomelic dysplasia. Last evaluated: 2021-07-02. Review status: criteria provided, single submitter. Criteria: Invitae Variant Classification Sherloc (09022015). Collection method: clinical testing. Allele origin: germline.
Comment: This sequence change creates a premature translational stop signal (p.Asp85Glufs*166) in the SOX9 gene. While this is not anticipated to result in nonsense mediated decay, it is expected to disrupt the last 425 amino acid(s) of the SOX9 protein. This variant is not present in population databases (ExAC no frequency). This variant has not been reported in the literature in individuals affected with SOX9-related conditions. This variant disrupts a region of the SOX9 protein in which other variant(s) (p.Arg394*) have been determined to be pathogenic (Invitae). This suggests that this is a clinically significant region of the protein, and that variants that disrupt it are likely to be disease-causing. For these reasons, this variant has been classified as Pathogenic.

NM_000346.4(SOX9):c.255_256del (p.Asp85fs)

Genes: SOX9 (SRY-box transcription factor 9; plus strand), LOC108021846 (SOX9 promoter region; plus strand). Cytogenetic location: 17q24.3.
Variant type: Deletion.
Coding change: c.255_256del on transcript NM_000346.4 (MANE Select); coding-DNA positions 255 to 256, 2 bases deleted (CT; older notation c.255_256delCT).
Protein change: p.Asp85fs; shifts the reading frame from aspartic acid 85.
Molecular consequence: frameshift variant.
Genome position (GRCh38, 1-based): chr17:72,121,646-72,121,647, CT deleted. VCF-style (leftmost placement, unchanged base first): chr17-72121645-ACT-A. GRCh37 (hg19) VCF-style: chr17-70117786-ACT-A.
Other names: short protein forms D85fs.
Identifiers: ClinVar variation 1458092 (VCV001458092.1), dbSNP rs2143239047, ClinGen allele CA2573154859.